The following is an entry in ClinVar:

ClinVar aggregate classification (germline): Benign. Review status: criteria provided, multiple submitters, no conflicts (2 of 4 stars). 2 submissions from 2 submitters: Benign (2). Last evaluated 2026-01-08.

Conditions:
Renal tubular dysgenesis. Also called: Renotubular dysgenesis. Identifiers: Orphanet 3033, MedGen C0266313, MONDO:0017609, HP:0008660.

Allele frequency attached by ClinVar (database versions not stated): gnomAD exomes 0.00059 and 0.00156; ExAC 0.00197; 1000 Genomes Project 0.00539; 1000 Genomes Project 30x 0.00578; gnomAD 0.00625 and 0.00678; TOPMed 0.00707; ESP Exome Variant Server 0.00761.
gnomAD v4.1: 1,842 of 1,613,296 alleles (0.11%); highest among the groups gnomAD compares: African/African-American, 2.2%; 16 homozygotes.

Submissions (2):

Labcorp Genetics (formerly Invitae), Labcorp
Classification: Benign. Last evaluated: 2026-01-08. Review status: criteria provided, single submitter. Criteria: Invitae Variant Classification Sherloc (09022015). Collection method: clinical testing. Allele origin: germline.

Illumina Laboratory Services, Illumina
Classification: Benign for Renal tubular dysgenesis of genetic origin. Last evaluated: 2018-01-12. Review status: criteria provided, single submitter. Criteria: ICSL Variant Classification Criteria 13 December 2019. Collection method: clinical testing. Allele origin: germline.
Comment: This variant was observed in the ICSL laboratory as part of a predisposition screen in an ostensibly healthy population. It had not been previously curated by ICSL or reported in the Human Gene Mutation Database (HGMD: prior to June 1st, 2018), and was therefore a candidate for classification through an automated scoring system. Utilizing variant allele frequency, disease prevalence and penetrance estimates, and inheritance mode, an automated score was calculated to assess if this variant is too frequent to cause the disease. Based on the score and internal cut-off values, a variant classified as benign is not then subjected to further curation. The score for this variant resulted in a classification of benign for this disease.

NM_000789.4(ACE):c.847+12G>A

Gene: ACE (angiotensin I converting enzyme; plus strand). Cytogenetic location: 17q23.3.
Variant type: single nucleotide variant.
Coding change: c.847+12G>A on transcript NM_000789.4 (MANE Select); 12 bases into the intron after coding-DNA position 847, G replaced by A.
Molecular consequence: intron variant.
Genome position (GRCh38, 1-based): chr17:63,480,540, G>A. VCF-style: chr17-63480540-G-A. GRCh37 (hg19) VCF-style: chr17-61557901-G-A.
Identifiers: ClinVar variation 324370 (VCV000324370.13), dbSNP rs12709422, ClinGen allele CA8699258.